The following is an entry in ClinVar:

NM_002471.4(MYH6):c.5196G>A (p.Met1732Ile)

Gene: MYH6 (myosin heavy chain 6; minus strand). Cytogenetic location: 14q11.2.
Variant type: single nucleotide variant.
Coding change: c.5196G>A on transcript NM_002471.4 (MANE Select); coding-DNA position 5196, G replaced by A.
Protein change: p.Met1732Ile; replaces methionine 1732 with isoleucine.
Molecular consequence: missense variant.
Genome position (GRCh38, 1-based): chr14:23,385,009, C>T on the plus strand (G>A on the coding strand, the complement: MYH6 is on the minus strand). VCF-style: chr14-23385009-C-T. GRCh37 (hg19) VCF-style: chr14-23854218-C-T.
Other names: short protein forms M1732I.
Identifiers: ClinVar variation 851153 (VCV000851153.14), dbSNP rs1028831815, ClinGen allele CA257777743.
Genomic context (GRCh38, chr14:23,385,009, plus strand): 5'-GTTTCTGCACTCCTGCACTGCCTCCTCCACTTCCGACTGGAGCTGGGTCAGATCCGACTC[C>T]ATCTTCTTCTTCTGGTTGATGAGGCTGGTGTTCTAGACATGGAGAGAGAAAAATGATCAA-3'
Protein context (NP_002462.2, residues 1722-1742): NTSLINQKKK[Met1732Ile]ESDLTQLQSE

ClinVar aggregate classification (germline): Uncertain significance. Review status: criteria provided, multiple submitters, no conflicts (2 of 4 stars). 3 submissions from 3 submitters: Uncertain significance (3). Last evaluated 2025-11-26.

Conditions:
Cardiovascular phenotype. Identifiers: MedGen CN230736.
Hypertrophic cardiomyopathy 14. Identifiers: MedGen C2750467, MONDO:0013197, OMIM 613251.

Allele frequency attached by ClinVar (database versions not stated): gnomAD exomes below 0.00001; gnomAD 0.00004; TOPMed 0.00005.

Submissions (3):

Ambry Genetics
Classification: Uncertain significance for Cardiovascular phenotype. Last evaluated: 2025-11-26. Review status: criteria provided, single submitter. Criteria: Ambry Variant Classification Scheme 2023. Collection method: clinical testing. Allele origin: germline.

Labcorp Genetics (formerly Invitae), Labcorp
Classification: Uncertain significance for Hypertrophic cardiomyopathy 14. Last evaluated: 2024-07-01. Review status: criteria provided, single submitter. Criteria: Invitae Variant Classification Sherloc (09022015). Collection method: clinical testing. Allele origin: germline.
Comment: This sequence change replaces methionine, which is neutral and non-polar, with isoleucine, which is neutral and non-polar, at codon 1732 of the MYH6 protein (p.Met1732Ile). This variant is present in population databases (no rsID available, gnomAD 0.008%). This variant has not been reported in the literature in individuals affected with MYH6-related conditions. ClinVar contains an entry for this variant (Variation ID: 851153). Advanced modeling of protein sequence and biophysical properties (such as structural, functional, and spatial information, amino acid conservation, physicochemical variation, residue mobility, and thermodynamic stability) performed at Invitae indicates that this missense variant is not expected to disrupt MYH6 protein function with a negative predictive value of 80%. In summary, the available evidence is currently insufficient to determine the role of this variant in disease. Therefore, it has been classified as a Variant of Uncertain Significance.

GeneDx
Classification: Uncertain significance. Last evaluated: 2024-04-02. Review status: criteria provided, single submitter. Criteria: GeneDx Variant Classification Process June 2021. Collection method: clinical testing. Allele origin: germline. Affected: yes.
Comment: Has not been previously published as pathogenic or benign to our knowledge; Not observed at significant frequency in large population cohorts (gnomAD); In silico analysis supports that this missense variant does not alter protein structure/function